The following is an entry in ClinVar:

NM_018993.4(RIN2):c.436G>C (p.Glu146Gln)

Gene: RIN2 (Ras and Rab interactor 2; plus strand). Cytogenetic location: 20p11.23.
Variant type: single nucleotide variant.
Coding change: c.436G>C on transcript NM_018993.4 (MANE Select); coding-DNA position 436, G replaced by C.
Protein change: p.Glu146Gln; replaces glutamic acid 146 with glutamine.
Molecular consequence: missense variant. On other transcripts: 5 prime UTR variant (1).
Genome position (GRCh38, 1-based): chr20:19,960,784, G>C. VCF-style: chr20-19960784-G-C. GRCh37 (hg19) VCF-style: chr20-19941428-G-C.
Other names: c.436G>C (NM_018993.3); c.583G>C, p.Glu195Gln (NM_001242581.2); c.-110G>C (NM_001378238.1); short protein forms E195Q, E146Q.
Identifiers: ClinVar variation 1407590 (VCV001407590.9), dbSNP rs2146258270, ClinGen allele CA408357529.

ClinVar aggregate classification (germline): Uncertain significance. Review status: criteria provided, multiple submitters, no conflicts (2 of 4 stars). 2 submissions from 2 submitters: Uncertain significance (2). Last evaluated 2024-09-11.

Conditions:
Inborn genetic diseases. Identifiers: MedGen C0950123, MeSH D030342.

Submissions (2):

Ambry Genetics
Classification: Uncertain significance for Inborn genetic diseases. Last evaluated: 2024-09-11. Review status: criteria provided, single submitter. Criteria: Ambry Variant Classification Scheme 2023. Collection method: clinical testing. Allele origin: germline.

Labcorp Genetics (formerly Invitae), Labcorp
Classification: Uncertain significance. Last evaluated: 2021-07-27. Review status: criteria provided, single submitter. Criteria: Invitae Variant Classification Sherloc (09022015). Collection method: clinical testing. Allele origin: germline.
Comment: Algorithms developed to predict the effect of missense changes on protein structure and function are either unavailable or do not agree on the potential impact of this missense change (SIFT: "Tolerated"; PolyPhen-2: "Not Available"; Align-GVGD: "Class C0"). In summary, the available evidence is currently insufficient to determine the role of this variant in disease. Therefore, it has been classified as a Variant of Uncertain Significance. This variant has not been reported in the literature in individuals affected with RIN2-related conditions. This sequence change replaces glutamic acid with glutamine at codon 146 of the RIN2 protein (p.Glu146Gln). The glutamic acid residue is moderately conserved and there is a small physicochemical difference between glutamic acid and glutamine. This variant is not present in population databases (ExAC no frequency).